The following is an entry in ClinVar:

NM_006206.6(PDGFRA):c.2699T>C (p.Met900Thr)

Gene: PDGFRA (platelet derived growth factor receptor alpha; plus strand). Cytogenetic location: 4q12.
Variant type: single nucleotide variant.
Coding change: c.2699T>C on transcript NM_006206.6 (MANE Select); coding-DNA position 2699, T replaced by C.
Protein change: p.Met900Thr; replaces methionine 900 with threonine.
Molecular consequence: missense variant.
Genome position (GRCh38, 1-based): chr4:54,288,823, T>C. VCF-style: chr4-54288823-T-C. GRCh37 (hg19) VCF-style: chr4-55154990-T-C.
Other names: c.2774T>C, p.Met925Thr (NM_001347828.2); c.2699T>C, p.Met900Thr (NM_001347829.2); c.2738T>C, p.Met913Thr (NM_001347830.2); short protein forms M900T, M925T, M913T.
Identifiers: ClinVar variation 1794871 (VCV001794871.2), dbSNP rs2475559289, ClinGen allele CA356895450.

ClinVar aggregate classification (germline): Uncertain significance (1 of 4 stars; one submission).

Conditions:
Hereditary cancer-predisposing syndrome. Also called: Tumor predisposition; Hereditary Cancer Syndrome; Neoplastic Syndromes, Hereditary; Hereditary neoplastic syndrome. Identifiers: Orphanet 140162, MedGen C0027672, MeSH D009386, MONDO:0015356.

Submission:

Ambry Genetics
Classification: Uncertain significance for Hereditary cancer-predisposing syndrome. Last evaluated: 2020-07-15. Review status: criteria provided, single submitter. Criteria: Ambry Variant Classification Scheme 2023. Collection method: clinical testing. Allele origin: germline.
Comment: The p.M900T variant (also known as c.2699T>C), located in coding exon 19 of the PDGFRA gene, results from a T to C substitution at nucleotide position 2699. The methionine at codon 900 is replaced by threonine, an amino acid with similar properties. This amino acid position is not well conserved in available vertebrate species. In addition, this alteration is predicted to be tolerated by in silico analysis. Since supporting evidence is limited at this time, the clinical significance of this alteration remains unclear.